The following is an entry in ClinVar:

ClinVar aggregate classification (germline): Likely pathogenic (1 of 4 stars; one submission).

Conditions:
Joubert syndrome. Also called: CEREBELLOPARENCHYMAL DISORDER IV; JOUBERT-BOLTSHAUSER SYNDROME; Familial aplasia of the vermis. Identifiers: Orphanet 475, MedGen C5979921, MONDO:0018772.
Meckel-Gruber syndrome. Also called: DYSENCEPHALIA SPLANCHNOCYSTICA; GRUBER SYNDROME; Dysencephalia splachnocystica. Identifiers: Orphanet 564, MedGen C0265215, MONDO:0018921.

Submission:

Labcorp Genetics (formerly Invitae), Labcorp
Classification: Likely pathogenic for Joubert syndrome; Meckel-Gruber syndrome. Last evaluated: 2023-02-05. Review status: criteria provided, single submitter. Criteria: Invitae Variant Classification Sherloc (09022015). Collection method: clinical testing. Allele origin: germline.
Comment: In summary, the currently available evidence indicates that the variant is pathogenic, but additional data are needed to prove that conclusively. Therefore, this variant has been classified as Likely Pathogenic. Algorithms developed to predict the effect of sequence changes on RNA splicing suggest that this variant may disrupt the consensus splice site. This variant has not been reported in the literature in individuals affected with RPGRIP1L-related conditions. This variant is not present in population databases (gnomAD no frequency). This sequence change affects a donor splice site in intron 16 of the RPGRIP1L gene. It is expected to disrupt RNA splicing. Variants that disrupt the donor or acceptor splice site typically lead to a loss of protein function (PMID: 16199547), and loss-of-function variants in RPGRIP1L are known to be pathogenic (PMID: 17558409).

Literature cited by the submitters: PubMed 16199547; PubMed 17558409.

NM_015272.5(RPGRIP1L):c.2304+1G>A

Gene: RPGRIP1L (RPGRIP1 like; minus strand). Cytogenetic location: 16q12.2.
Variant type: single nucleotide variant.
Coding change: c.2304+1G>A on transcript NM_015272.5 (MANE Select); the canonical splice donor site of the intron after coding-DNA position 2304, G replaced by A.
Molecular consequence: splice donor variant.
Genome position (GRCh38, 1-based): chr16:53,648,963, C>T on the plus strand (G>A on the coding strand, the complement: RPGRIP1L is on the minus strand). VCF-style: chr16-53648963-C-T. GRCh37 (hg19) VCF-style: chr16-53682875-C-T.
Other names: c.2304+1G>A (NM_001127897.4, NM_001330538.2, NM_001308334.3).
Identifiers: ClinVar variation 2935159 (VCV002935159.3), dbSNP rs746451396, ClinGen allele CA395915263.